The following is an entry in ClinVar:

ClinVar aggregate classification (germline): Pathogenic (1 of 4 stars; one submission).

Conditions:
Glycogen storage disease, type II (IOPD). Also called: Glucosidase acid-1,4-alpha deficiency; GLYCOGENOSIS, GENERALIZED, CARDIAC FORM; GSD II; POMPE DISEASE, INFANTILE-ONSET; Pompe Disease; Glycogen storage disease type 2. Identifiers: Orphanet 365, MedGen C0017921, MONDO:0009290, OMIM 232300.

Submission:

Labcorp Genetics (formerly Invitae), Labcorp
Classification: Pathogenic for Glycogen storage disease, type II. Last evaluated: 2021-12-01. Review status: criteria provided, single submitter. Criteria: Invitae Variant Classification Sherloc (09022015). Collection method: clinical testing. Allele origin: germline.
Comment: For these reasons, this variant has been classified as Pathogenic. The region of the GAA gene that includes exon(s) 18 has been determined to be clinically significant (PMID: 7945303, 17723315, 19588081, 25752415). Therefore, deletions that encompass that region are likely to be disease-causing. This variant has not been reported in the literature in individuals affected with GAA-related conditions. This variant is a gross deletion of the genomic region encompassing exon(s) 16-19 of the GAA gene. While this deletion is not anticipated to lead to nonsense mediated decay, it is expected to disrupt the C-terminus of the protein.

Literature cited by the submitters: PubMed 7945303; PubMed 17723315; PubMed 19588081; PubMed 25752415.

NC_000017.10:g.(?_78090757)_(78092614_?)del

Gene: GAA (alpha glucosidase; plus strand). Cytogenetic location: 17q25.3.
Variant type: Deletion.
Identifiers: ClinVar variation 1454614 (VCV001454614.5).